The following is an entry in ClinVar:

NM_020297.4(ABCC9):c.1414T>C (p.Phe472Leu)

Gene: ABCC9 (ATP binding cassette subfamily C member 9; minus strand). Cytogenetic location: 12p12.1.
Variant type: single nucleotide variant.
Coding change: c.1414T>C on transcript NM_020297.4 (MANE Select); coding-DNA position 1414, T replaced by C.
Protein change: p.Phe472Leu; replaces phenylalanine 472 with leucine.
Molecular consequence: missense variant.
Genome position (GRCh38, 1-based): chr12:21,908,118, A>G on the plus strand (T>C on the coding strand, the complement: ABCC9 is on the minus strand). VCF-style: chr12-21908118-A-G. GRCh37 (hg19) VCF-style: chr12-22061052-A-G.
Other names: c.1414T>C, p.Phe472Leu (NM_005691.4, NM_001377273.1); c.550T>C, p.Phe184Leu (NM_001377274.1); short protein forms F184L, F472L.
Identifiers: ClinVar variation 3718323 (VCV003718323.2).

ClinVar aggregate classification (germline): Uncertain significance (1 of 4 stars; one submission).

Conditions:
Dilated cardiomyopathy 1O (CMD1O). Also called: CARDIOMYOPATHY, DILATED, WITH VENTRICULAR TACHYCARDIA. Identifiers: Orphanet 154, MedGen C1837839, MONDO:0012062, OMIM 608569.

gnomAD v4.1: 1 of 1,612,680 alleles (0.000062%); highest among the groups gnomAD compares: Non-Finnish European, 0.000085%; no homozygotes.

Submission:

Labcorp Genetics (formerly Invitae), Labcorp
Classification: Uncertain significance for Dilated cardiomyopathy 1O. Last evaluated: 2024-08-10. Review status: criteria provided, single submitter. Criteria: Invitae Variant Classification Sherloc (09022015). Collection method: clinical testing. Allele origin: germline.
Comment: This sequence change replaces phenylalanine, which is neutral and non-polar, with leucine, which is neutral and non-polar, at codon 472 of the ABCC9 protein (p.Phe472Leu). This variant is not present in population databases (gnomAD no frequency). This variant has not been reported in the literature in individuals affected with ABCC9-related conditions. Advanced modeling of protein sequence and biophysical properties (such as structural, functional, and spatial information, amino acid conservation, physicochemical variation, residue mobility, and thermodynamic stability) performed at Invitae indicates that this missense variant is not expected to disrupt ABCC9 protein function with a negative predictive value of 80%. In summary, the available evidence is currently insufficient to determine the role of this variant in disease. Therefore, it has been classified as a Variant of Uncertain Significance.